The following is an entry in ClinVar:

NM_004369.4(COL6A3):c.4533del (p.Ser1512fs)

Gene: COL6A3 (collagen type VI alpha 3 chain; minus strand). Cytogenetic location: 2q37.3.
Variant type: Deletion.
Coding change: c.4533del on transcript NM_004369.4 (MANE Select); coding-DNA position 4533, one base deleted (G; older notation c.4533delG).
Protein change: p.Ser1512fs; shifts the reading frame from serine 1512.
Molecular consequence: frameshift variant.
Genome position (GRCh38, 1-based): chr2:237,368,930, C deleted on the plus strand (G on the coding strand, the reverse complement: COL6A3 is on the minus strand); the first of 6 consecutive C bases (chr2:237,368,930-237,368,935); deleting any one gives the same sequence. VCF-style (leftmost placement, unchanged base first): chr2-237368929-AC-A. GRCh37 (hg19) VCF-style: chr2-238277572-AC-A.
Other names: c.2712del, p.Ser905fs (NM_057166.5); c.3915del, p.Ser1306fs (NM_057167.4); short protein forms S1306fs, S905fs, S1512fs.
Identifiers: ClinVar variation 2001089 (VCV002001089.4), dbSNP rs2469889068, ClinGen allele CA2580066089.

ClinVar aggregate classification (germline): Pathogenic (1 of 4 stars; one submission).

Conditions:
Bethlem myopathy 1A. Also called: MYOPATHY, BENIGN CONGENITAL, WITH CONTRACTURES; Bethlem myopathy 1; Bethlem Muscular Dystrophy. Identifiers: Orphanet 610, MedGen CN029274, MONDO:0024530, OMIM 158810.

Submission:

Labcorp Genetics (formerly Invitae), Labcorp
Classification: Pathogenic for Bethlem myopathy 1A. Last evaluated: 2023-12-10. Review status: criteria provided, single submitter. Criteria: Invitae Variant Classification Sherloc (09022015). Collection method: clinical testing. Allele origin: germline.
Comment: This sequence change creates a premature translational stop signal (p.Ser1512Profs*3) in the COL6A3 gene. It is expected to result in an absent or disrupted protein product. Loss-of-function variants in COL6A3 are known to be pathogenic (PMID: 26004199). This variant is not present in population databases (gnomAD no frequency). This variant has not been reported in the literature in individuals affected with COL6A3-related conditions. ClinVar contains an entry for this variant (Variation ID: 2001089). For these reasons, this variant has been classified as Pathogenic.

Literature cited by the submitters: PubMed 26004199.